The following is an entry in ClinVar:

ClinVar aggregate classification (germline): Benign/Likely benign. Review status: criteria provided, multiple submitters, no conflicts (2 of 4 stars). 4 submissions from 4 submitters: Benign (2); Likely benign (2). Last evaluated 2026-01-28.

Allele frequency attached by ClinVar (database versions not stated): gnomAD exomes 0.00084 and 0.00245; ExAC 0.00319; gnomAD 0.00882 and 0.00952; ESP Exome Variant Server 0.00976; TOPMed 0.00988; 1000 Genomes Project 0.01018; 1000 Genomes Project 30x 0.01093.
gnomAD v4.1: 2,655 of 1,613,276 alleles (0.16%); highest among the groups gnomAD compares: African/African-American, 3%; 39 homozygotes.

Submissions (5):

Labcorp Genetics (formerly Invitae), Labcorp
Classification: Benign. Last evaluated: 2026-01-28. Review status: criteria provided, single submitter. Criteria: Invitae Variant Classification Sherloc (09022015). Collection method: clinical testing. Allele origin: germline.

Mayo Clinic Laboratories, Mayo Clinic
Classification: Benign. Last evaluated: 2025-05-22. Review status: criteria provided, single submitter. Criteria: ACMG Guidelines, 2015. Collection method: clinical testing. Allele origin: germline. Observed: 2 variant alleles.
Comment: BS1, BS2, BP4, BP7

GeneDx
Classification: Likely benign. Last evaluated: 2021-05-10. Review status: criteria provided, single submitter. Criteria: GeneDx Variant Classification Process June 2021. Collection method: clinical testing. Allele origin: germline. Affected: yes.

Breakthrough Genomics
Classification: Likely benign. Review status: criteria provided, single submitter. Criteria: ACMG Guidelines, 2015. Collection method: not provided. Allele origin: germline. Inheritance: Autosomal recessive inheritance. Affected: yes.

Dr. Peter K. Rogan Lab, Western University
No classification provided (evidence only). Condition: Uterine corpus endometrial carcinoma. Review status: no classification provided. Collection method: in vitro. Allele origin: not applicable. Functional consequence: skipped exon. Not counted in ClinVar's aggregate classification.

NM_021800.3(DNAJC12):c.79-9T>G

Gene: DNAJC12 (DnaJ heat shock protein family (Hsp40) member C12; minus strand). Cytogenetic location: 10q21.3.
Variant type: single nucleotide variant.
Coding change: c.79-9T>G on transcript NM_021800.3 (MANE Select); 9 bases into the intron before coding-DNA position 79, T replaced by G.
Molecular consequence: intron variant.
Genome position (GRCh38, 1-based): chr10:67,823,401, A>C on the plus strand (T>G on the coding strand, the complement: DNAJC12 is on the minus strand). VCF-style: chr10-67823401-A-C. GRCh37 (hg19) VCF-style: chr10-69583159-A-C.
Other names: p.?; c.79-9T>G (NM_201262.2).
Identifiers: ClinVar variation 786161 (VCV000786161.14), dbSNP rs116351951, ClinGen allele CA5520925.